The following is an entry in ClinVar:

NM_007294.4(BRCA1):c.4325T>A (p.Leu1442Gln)

Gene: BRCA1 (BRCA1 DNA repair associated; minus strand). Cytogenetic location: 17q21.31.
Variant type: single nucleotide variant.
Coding change: c.4325T>A on transcript NM_007294.4 (MANE Select); coding-DNA position 4325, T replaced by A.
Protein change: p.Leu1442Gln; replaces leucine 1442 with glutamine.
Molecular consequence: missense variant.
Genome position (GRCh38, 1-based): chr17:43,082,436, A>T on the plus strand (T>A on the coding strand, the complement: BRCA1 is on the minus strand). VCF-style: chr17-43082436-A-T. GRCh37 (hg19) VCF-style: chr17-41234453-A-T.
Other names: c.1007T>A, p.Leu336Gln (NM_001408406.1, NM_001408408.1); c.4244T>A, p.Leu1415Gln (NM_001407656.1, NM_001407662.1, NM_001407663.1 and 1 more transcripts); c.1010T>A, p.Leu337Gln (NM_001408407.1, NM_001408400.1, NM_001408401.1 and 1 more transcripts); c.4247T>A, p.Leu1416Gln (NM_001407657.1, NM_001407658.1, NM_001407653.1 and 2 more transcripts); c.4202T>A, p.Leu1401Gln (NM_001407664.1, NM_001407666.1, NM_001407667.1 and 13 more transcripts); c.4241T>A, p.Leu1414Gln (NM_001407659.1, NM_001407660.1); c.938T>A, p.Leu313Gln (NM_001408409.1, NM_001408411.1, NM_001408414.1 and 2 more transcripts); c.875T>A, p.Leu292Gln (NM_001408410.1, NM_001408452.1, NM_001408453.1 and 8 more transcripts); and 51 more; short protein forms L1273Q, L1315Q, L1352Q, L1375Q, L1395Q, L1399Q, L1400Q, L1401Q.
Identifiers: ClinVar variation 2748373 (VCV002748373.3), dbSNP rs2154147391, ClinGen allele CA10593071.

ClinVar aggregate classification (germline): Uncertain significance (1 of 4 stars; one submission).

Conditions:
Hereditary breast ovarian cancer syndrome. Also called: BRCA1- and BRCA2-Associated Hereditary Breast and Ovarian Cancer; Breast and ovarian cancer; Hereditary breast and/or ovarian cancer syndrome; Hereditary breast and ovarian cancer; Hereditary breast and ovarian cancer syndrome (HBOC); Hereditary breast and ovarian cancer syndrome. Identifiers: Orphanet 145, MedGen C0677776, MeSH D061325, MONDO:0003582. Disease mechanism: loss of function.

Submission:

Labcorp Genetics (formerly Invitae), Labcorp
Classification: Uncertain significance for Hereditary breast ovarian cancer syndrome. Last evaluated: 2023-07-30. Review status: criteria provided, single submitter. Criteria: Invitae Variant Classification Sherloc (09022015). Collection method: clinical testing. Allele origin: germline.
Comment: This sequence change replaces leucine, which is neutral and non-polar, with glutamine, which is neutral and polar, at codon 1442 of the BRCA1 protein (p.Leu1442Gln). This variant is not present in population databases (gnomAD no frequency). This variant has not been reported in the literature in individuals affected with BRCA1-related conditions. Advanced modeling of protein sequence and biophysical properties (such as structural, functional, and spatial information, amino acid conservation, physicochemical variation, residue mobility, and thermodynamic stability) performed at Invitae indicates that this missense variant is not expected to disrupt BRCA1 protein function. In summary, the available evidence is currently insufficient to determine the role of this variant in disease. Therefore, it has been classified as a Variant of Uncertain Significance.